The following is an entry in ClinVar:

ClinVar aggregate classification (germline): Uncertain significance (1 of 4 stars; one submission).

Submission:

Labcorp Genetics (formerly Invitae), Labcorp
Classification: Uncertain significance. Last evaluated: 2022-08-08. Review status: criteria provided, single submitter. Criteria: Invitae Variant Classification Sherloc (09022015). Collection method: clinical testing. Allele origin: germline.
Comment: A copy number gain of the genomic region encompassing the full coding sequence of the LAMC3 gene has been identified. The boundaries of this event are unknown as they extend beyond the assayed region for this gene and therefore may encompass additional genes. As the precise location of this event is unknown, it may be in tandem or it may be located elsewhere in the genome. This variant has not been reported in the literature in individuals affected with LAMC3-related conditions. In summary, the available evidence is currently insufficient to determine the role of this variant in disease. Therefore, it has been classified as a Variant of Uncertain Significance.

NC_000009.11:g.(?_133884602)_(135942612_?)dup

Genes: AIF1L (allograft inflammatory factor 1 like; plus strand), AK8 (adenylate kinase 8; minus strand), BARHL1 (BarH like homeobox 1; plus strand), CEL (carboxyl ester lipase; plus strand), CFAP77 (cilia and flagella associated protein 77; plus strand) and 18 more. Cytogenetic location: 9q34.12-34.2.
Variant type: Duplication.
Identifiers: ClinVar variation 2425485 (VCV002425485.3).